The following is an entry in ClinVar:

ClinVar aggregate classification (germline): Uncertain significance (1 of 4 stars; one submission).

Conditions:
Autoimmune lymphoproliferative syndrome type 2A (ALPS2A). Also called: Autoimmune lymphoproliferative syndrome type 2; CASP10-Related Autoimmune Lymphoproliferative Syndrome; AUTOIMMUNE LYMPHOPROLIFERATIVE SYNDROME, TYPE IIA. Identifiers: Orphanet 3261, MedGen C1858968, MONDO:0011383, OMIM 603909.

Allele frequency attached by ClinVar (database versions not stated): TOPMed below 0.00001.
gnomAD v4.1: 2 of 1,613,476 alleles (0.00012%); no homozygotes.

Submission:

Labcorp Genetics (formerly Invitae), Labcorp
Classification: Uncertain significance for Autoimmune lymphoproliferative syndrome type 2A. Last evaluated: 2025-10-07. Review status: criteria provided, single submitter. Criteria: Invitae Variant Classification Sherloc (09022015). Collection method: clinical testing. Allele origin: germline.
Comment: This sequence change affects an acceptor splice site in intron 5 of the CASP10 gene. It is expected to disrupt RNA splicing. Variants that disrupt the donor or acceptor splice site typically lead to a loss of protein function (PMID: 16199547), however the current clinical and genetic evidence is not sufficient to establish whether loss-of-function variants in CASP10 cause disease. This variant is not present in population databases (gnomAD no frequency). This variant has not been reported in the literature in individuals affected with CASP10-related conditions. ClinVar contains an entry for this variant (Variation ID: 1023122). Algorithms developed to predict the effect of sequence changes on RNA splicing suggest that this variant may disrupt the consensus splice site. In summary, the available evidence is currently insufficient to determine the role of this variant in disease. Therefore, it has been classified as a Variant of Uncertain Significance.

Literature cited by the submitters: PubMed 16199547.

NM_032977.4(CASP10):c.685-2A>G

Gene: CASP10 (caspase 10; plus strand). Cytogenetic location: 2q33.1.
Variant type: single nucleotide variant.
Coding change: c.685-2A>G on transcript NM_032977.4 (MANE Select); the canonical splice acceptor site of the intron before coding-DNA position 685, A replaced by G.
Molecular consequence: splice acceptor variant. On other transcripts: intron variant (2).
Genome position (GRCh38, 1-based): chr2:201,203,728, A>G. VCF-style: chr2-201203728-A-G. GRCh37 (hg19) VCF-style: chr2-202068451-A-G.
Other names: c.685-2A>G (NM_032974.5, NM_032976.4, NM_001206524.2); c.685-4347A>G (NM_001206542.2, NM_001230.5).
Identifiers: ClinVar variation 1023122 (VCV001023122.9), dbSNP rs966440916, ClinGen allele CA63862900.